The following is an entry in ClinVar:

ClinVar aggregate classification (germline): Likely benign. Review status: criteria provided, multiple submitters, no conflicts (2 of 4 stars). 4 submissions from 4 submitters: Likely benign (2). 2 of the submissions do not count toward it. Last evaluated 2025-02-17.

Conditions:
SLC12A3-related disorder. Also called: SLC12A3-related condition.
Familial hypokalemia-hypomagnesemia (GTLMNS). Also called: HYPOMAGNESEMIA-HYPOKALEMIA, PRIMARY RENOTUBULAR, WITH HYPOCALCIURIA; POTASSIUM AND MAGNESIUM DEPLETION; gitelman syndrome. Identifiers: Orphanet 358, MedGen C0268450, MONDO:0009904, OMIM 263800.

Allele frequency attached by ClinVar (database versions not stated): gnomAD 0.00027 and 0.00026; 1000 Genomes Project 30x 0.00016; gnomAD exomes 0.00002 and 0.00006; TOPMed 0.00027; ExAC 0.00007; ESP Exome Variant Server 0.00023; 1000 Genomes Project 0.00020.
gnomAD v4.1: 67 of 1,585,204 alleles (0.0042%); highest among the groups gnomAD compares: African/African-American, 0.083%; no homozygotes.

Submissions (4):

Labcorp Genetics (formerly Invitae), Labcorp
Classification: Likely benign. Last evaluated: 2025-02-17. Review status: criteria provided, single submitter. Criteria: Invitae Variant Classification Sherloc (09022015). Collection method: clinical testing. Allele origin: germline.

Fulgent Genetics
Classification: Likely benign for Familial hypokalemia-hypomagnesemia. Last evaluated: 2021-12-16. Review status: criteria provided, single submitter. Criteria: ACMG Guidelines, 2015. Collection method: clinical testing. Allele origin: unknown.

Natera, Inc.
Classification: Uncertain significance for Gitelman syndrome. Last evaluated: 2020-03-10. Review status: no assertion criteria provided. Collection method: clinical testing. Allele origin: germline. Not counted in ClinVar's aggregate classification.

PreventionGenetics, part of Exact Sciences
Classification: Likely benign for SLC12A3-related condition. Last evaluated: 2019-03-27. Review status: no assertion criteria provided. Collection method: clinical testing. Allele origin: germline. Not counted in ClinVar's aggregate classification.
Comment: This variant is classified as likely benign based on ACMG/AMP sequence variant interpretation guidelines (Richards et al. 2015 PMID: 25741868, with internal and published modifications).

NM_001126108.2(SLC12A3):c.742-6C>T

Gene: SLC12A3 (solute carrier family 12 member 3; plus strand). Cytogenetic location: 16q13.
Variant type: single nucleotide variant.
Coding change: c.742-6C>T on transcript NM_001126108.2 (MANE Select); 6 bases into the intron before coding-DNA position 742, C replaced by T.
Molecular consequence: intron variant.
Genome position (GRCh38, 1-based): chr16:56,870,620, C>T. VCF-style: chr16-56870620-C-T. GRCh37 (hg19) VCF-style: chr16-56904532-C-T.
Other names: c.742-6C>T (NM_000339.3); c.739-6C>T (NM_001126107.2).
Identifiers: ClinVar variation 730141 (VCV000730141.15), dbSNP rs370741134, ClinGen allele CA8069191.